The following is an entry in ClinVar:

NM_000100.4(CSTB):c.76C>T (p.Gln26Ter)

Gene: CSTB (cystatin B; minus strand). Cytogenetic location: 21q22.3.
Variant type: single nucleotide variant.
Coding change: c.76C>T on transcript NM_000100.4 (MANE Select); coding-DNA position 76, C replaced by T.
Protein change: p.Gln26Ter; replaces glutamine 26 with a stop codon.
Molecular consequence: nonsense.
Genome position (GRCh38, 1-based): chr21:43,774,750, G>A on the plus strand (C>T on the coding strand, the complement: CSTB is on the minus strand). VCF-style: chr21-43774750-G-A. GRCh37 (hg19) VCF-style: chr21-45194631-G-A.
Other names: short protein forms Q26*.
Identifiers: ClinVar variation 3376548 (VCV003376548.1).

ClinVar aggregate classification (germline): Likely pathogenic (1 of 4 stars; one submission).

Conditions:
Unverricht-Lundborg syndrome. Also called: Unverricht-Lundborg Disease; Epilepsy, progressive myoclonic 1A (Unverricht and Lundborg); EPILEPSY, PROGRESSIVE MYOCLONIC, 1A; Progressive myoclonus epilepsy baltic myoclonic epilepsy; Myoclonus progressive epilepsy of Unverricht and Lundborg; Myoclonic epilepsy of unverricht and lundborg. Identifiers: Orphanet 308, MedGen C0751785, MONDO:0009698, OMIM 254800.

gnomAD v4.1: 1 of 1,613,770 alleles (0.000062%); highest among the groups gnomAD compares: African/African-American, 0.0013%; no homozygotes.

Submission:

Institute of Medical Genetics and Applied Genomics, University Hospital Tübingen
Classification: Likely pathogenic for Unverricht-Lundborg syndrome. Last evaluated: 2024-11-19. Review status: criteria provided, single submitter. Criteria: ACMG Guidelines, 2015. Collection method: clinical testing. Allele origin: germline. Inheritance: Autosomal recessive inheritance. Affected: yes.
Comment: early onset, alternative more severe phenotype